The following is an entry in ClinVar:

ClinVar aggregate classification (germline): Uncertain significance. Review status: criteria provided, multiple submitters, no conflicts (2 of 4 stars). 3 submissions from 3 submitters: Uncertain significance (3). Last evaluated 2026-08-04.

Conditions:
SPG11-related disorder. Also called: SPG11-related condition.
Inborn genetic diseases. Identifiers: MedGen C0950123, MeSH D030342.
Hereditary spastic paraplegia 11. Also called: Nakamura Osame syndrome; Autosomal recessive hereditary spastic paraplegia, mental impairment, and thin corpus callosum; Spastic paraplegia, mental retardation and thin corpus callosum; SPASTIC PARAPLEGIA, AUTOSOMAL RECESSIVE, COMPLICATED, WITH THIN CORPUS CALLOSUM; SPASTIC PARAPLEGIA, AUTOSOMAL RECESSIVE, WITH MENTAL IMPAIRMENT AND THIN CORPUS CALLOSUM; Spastic Paraplegia 11. Identifiers: Orphanet 2822, MedGen C1858479, MONDO:0011445, OMIM 604360.

Allele frequency attached by ClinVar (database versions not stated): gnomAD 0.00002 and 0.00003; ExAC 0.00003; gnomAD exomes 0.00003; TOPMed 0.00004.
gnomAD v4.1: 65 of 1,613,070 alleles (0.004%); highest among the groups gnomAD compares: South Asian, 0.016%; no homozygotes.

Submissions (3):

PreventionGenetics, part of Exact Sciences
Classification: Uncertain significance for SPG11-related condition. Last evaluated: 2026-08-04. Review status: criteria provided, single submitter. Criteria: ACMG Guidelines, 2015. Collection method: clinical testing. Allele origin: germline.
Comment: The SPG11 c.1619G>A variant is predicted to result in the amino acid substitution p.Arg540His. To our knowledge, this variant has not been reported in the literature. This variant is reported in 0.0098% of alleles in individuals of South Asian descent in gnomAD. At this time, the clinical significance of this variant is uncertain due to the absence of conclusive functional and genetic evidence.

Labcorp Genetics (formerly Invitae), Labcorp
Classification: Uncertain significance for Hereditary spastic paraplegia 11. Last evaluated: 2026-01-12. Review status: criteria provided, single submitter. Criteria: Invitae Variant Classification Sherloc (09022015). Collection method: clinical testing. Allele origin: germline.
Comment: This sequence change replaces arginine, which is basic and polar, with histidine, which is basic and polar, at codon 540 of the SPG11 protein (p.Arg540His). This variant is present in population databases (rs750200448, gnomAD 0.01%). This variant has not been reported in the literature in individuals affected with SPG11-related conditions. ClinVar contains an entry for this variant (Variation ID: 582680). Invitae Evidence Modeling of protein sequence and biophysical properties (such as structural, functional, and spatial information, amino acid conservation, physicochemical variation, residue mobility, and thermodynamic stability) indicates that this missense variant is not expected to disrupt SPG11 protein function with a negative predictive value of 80%. In summary, the available evidence is currently insufficient to determine the role of this variant in disease. Therefore, it has been classified as a Variant of Uncertain Significance.

Ambry Genetics
Classification: Uncertain significance for Inborn genetic diseases. Last evaluated: 2020-02-03. Review status: criteria provided, single submitter. Criteria: Ambry Variant Classification Scheme 2023. Collection method: clinical testing. Allele origin: germline.
Comment: The p.R540H variant (also known as c.1619G>A), located in coding exon 8 of the SPG11 gene, results from a G to A substitution at nucleotide position 1619. The arginine at codon 540 is replaced by histidine, an amino acid with highly similar properties. This amino acid position is well conserved in available vertebrate species. In addition, the in silico prediction for this alteration is inconclusive. Since supporting evidence is limited at this time, the clinical significance of this alteration remains unclear.

NM_025137.4(SPG11):c.1619G>A (p.Arg540His)

Gene: SPG11 (SPG11 vesicle trafficking associated, spatacsin; minus strand). Cytogenetic location: 15q21.1.
Variant type: single nucleotide variant.
Coding change: c.1619G>A on transcript NM_025137.4 (MANE Select); coding-DNA position 1619, G replaced by A.
Protein change: p.Arg540His; replaces arginine 540 with histidine.
Molecular consequence: missense variant.
Genome position (GRCh38, 1-based): chr15:44,633,621, C>T on the plus strand (G>A on the coding strand, the complement: SPG11 is on the minus strand). VCF-style: chr15-44633621-C-T. GRCh37 (hg19) VCF-style: chr15-44925819-C-T.
Other names: c.1619G>A, p.Arg540His (NM_001160227.2); short protein forms R540H.
Identifiers: ClinVar variation 582680 (VCV000582680.9), dbSNP rs750200448, ClinGen allele CA7535487.